The following is an entry in ClinVar:

ClinVar aggregate classification (germline): Benign/Likely benign. Review status: criteria provided, multiple submitters, no conflicts (2 of 4 stars). 2 submissions from 2 submitters: Benign (1); Likely benign (1). Last evaluated 2026-01-19.

Allele frequency attached by ClinVar (database versions not stated): gnomAD exomes 0.00030 and 0.00084; gnomAD 0.00319 and 0.00299; TOPMed 0.00342; ExAC 0.00109; 1000 Genomes Project 30x 0.00250; 1000 Genomes Project 0.00300; ESP Exome Variant Server 0.00315.
gnomAD v4.1: 889 of 1,612,610 alleles (0.055%); highest among the groups gnomAD compares: African/African-American, 1.1%; 3 homozygotes.

Submissions (2):

Labcorp Genetics (formerly Invitae), Labcorp
Classification: Benign. Last evaluated: 2026-01-19. Review status: criteria provided, single submitter. Criteria: Invitae Variant Classification Sherloc (09022015). Collection method: clinical testing. Allele origin: germline.

CeGaT Center for Human Genetics Tuebingen
Classification: Likely benign. Last evaluated: 2025-06-01. Review status: criteria provided, single submitter. Criteria: CeGaT Center For Human Genetics Tuebingen Variant Classification Criteria Version 2. Collection method: clinical testing. Allele origin: germline. Affected: yes. Observed: 1 variant allele.
Comment: FAT2: PP2, BP4, BS1

NM_001447.3(FAT2):c.4805T>C (p.Phe1602Ser)

Genes: FAT2 (FAT atypical cadherin 2; minus strand), SLC36A1 (solute carrier family 36 member 1; plus strand). Cytogenetic location: 5q33.1.
Variant type: single nucleotide variant.
Coding change: c.4805T>C on transcript NM_001447.3 (MANE Select); coding-DNA position 4805, T replaced by C.
Protein change: p.Phe1602Ser; replaces phenylalanine 1602 with serine.
Molecular consequence: missense variant.
Genome position (GRCh38, 1-based): chr5:151,546,322, A>G on the plus strand (T>C on the coding strand, the complement: FAT2 is on the minus strand). VCF-style: chr5-151546322-A-G. GRCh37 (hg19) VCF-style: chr5-150925883-A-G.
Other names: short protein forms F1602S.
Identifiers: ClinVar variation 716119 (VCV000716119.17), dbSNP rs116401802, ClinGen allele CA3521431.